The following is an entry in ClinVar:

ClinVar aggregate classification (germline): Pathogenic (1 of 4 stars; one submission).

Conditions:
Multiple congenital exostosis (EXT). Also called: MULTIPLE CARTILAGINOUS EXOSTOSES; Hereditary multiple osteochondromas; Multiple osteochondromas; Hereditary multiple exostoses; Hereditary multiple exostosis; Multiple exostoses. Identifiers: Orphanet 321, MedGen C0015306, MONDO:0005508, HP:0002762.

Submission:

Labcorp Genetics (formerly Invitae), Labcorp
Classification: Pathogenic for Multiple congenital exostosis. Last evaluated: 2023-08-25. Review status: criteria provided, single submitter. Criteria: Invitae Variant Classification Sherloc (09022015). Collection method: clinical testing. Allele origin: germline.
Comment: This variant has not been reported in the literature in individuals affected with EXT1-related conditions. For these reasons, this variant has been classified as Pathogenic. This variant is not present in population databases (gnomAD no frequency). This sequence change creates a premature translational stop signal (p.Lys479Asnfs*9) in the EXT1 gene. It is expected to result in an absent or disrupted protein product. Loss-of-function variants in EXT1 are known to be pathogenic (PMID: 10679937, 11391482, 19810120).

Literature cited by the submitters: PubMed 10679937; PubMed 11391482; PubMed 19810120.

NM_000127.3(EXT1):c.1437del (p.Lys479fs)

Gene: EXT1 (exostosin glycosyltransferase 1; minus strand). Cytogenetic location: 8q24.11.
Variant type: Deletion.
Coding change: c.1437del on transcript NM_000127.3 (MANE Select); coding-DNA position 1437, one base deleted (A; older notation c.1437delA).
Protein change: p.Lys479fs; shifts the reading frame from lysine 479.
Molecular consequence: frameshift variant.
Genome position (GRCh38, 1-based): chr8:117,819,775, T deleted on the plus strand (A on the coding strand, the reverse complement: EXT1 is on the minus strand); the first of 3 consecutive T bases (chr8:117,819,775-117,819,777); deleting any one gives the same sequence. VCF-style (leftmost placement, unchanged base first): chr8-117819774-AT-A. GRCh37 (hg19) VCF-style: chr8-118832013-AT-A.
Other names: short protein forms K479fs.
Identifiers: ClinVar variation 2755215 (VCV002755215.3), dbSNP rs2488109265, ClinGen allele CA2697550106.